The following is an entry in ClinVar:

ClinVar aggregate classification (germline): Conflicting classifications of pathogenicity. Review status: criteria provided, conflicting classifications (1 of 4 stars). 5 submissions from 5 submitters: Uncertain significance (1); Likely benign (4). Last evaluated 2025-12-13.

Conditions:
Cardiovascular phenotype. Identifiers: MedGen CN230736.
Arrhythmogenic right ventricular dysplasia 11. Also called: ARRHYTHMOGENIC RIGHT VENTRICULAR DYSPLASIA, FAMILIAL, 11; Arrhythmogenic Right Ventricular Dysplasia/Cardiomyopathy11; Arrhythmogenic right ventricular dysplasia 11 with mild palmoplantar keratoderma and woolly hair. Identifiers: MedGen C1864850, MONDO:0012506, OMIM 610476.
Familial isolated arrhythmogenic right ventricular dysplasia. Identifiers: Orphanet 217656, MedGen C4274968, MONDO:0016342.
Cardiomyopathy (CMYO). Also called: Cardiomyopathies. Identifiers: Orphanet 167848, MedGen C0878544, MONDO:0004994, HP:0001638. Inheritance: Various modes of inheritance.

Allele frequency attached by ClinVar (database versions not stated): ExAC 0.00001; gnomAD exomes 0.00001; TOPMed 0.00002; gnomAD 0.00003 and 0.00004; ESP Exome Variant Server 0.00008.
gnomAD v4.1: 14 of 1,612,934 alleles (0.00087%); highest among the groups gnomAD compares: African/African-American, 0.019%; no homozygotes.

Submissions (5):

Labcorp Genetics (formerly Invitae), Labcorp
Classification: Likely benign for Arrhythmogenic right ventricular dysplasia 11. Last evaluated: 2025-12-13. Review status: criteria provided, single submitter. Criteria: Invitae Variant Classification Sherloc (09022015). Collection method: clinical testing. Allele origin: germline.

CeGaT Center for Human Genetics Tuebingen
Classification: Uncertain significance. Last evaluated: 2025-05-01. Review status: criteria provided, single submitter. Criteria: CeGaT Center For Human Genetics Tuebingen Variant Classification Criteria Version 2. Collection method: clinical testing. Allele origin: germline. Affected: yes. Observed: 1 variant allele.
Comment: DSC2: PM2:Supporting, BP4

All of Us Research Program, National Institutes of Health
Classification: Likely benign for Familial isolated arrhythmogenic right ventricular dysplasia. Last evaluated: 2023-08-28. Review status: criteria provided, single submitter. Criteria: ACMG Guidelines, 2015. Collection method: clinical testing. Allele origin: germline. Inheritance: Autosomal dominant inheritance. Observed: 1 variant allele, 1 heterozygote.
Comment: This study involves interpretation of variants in research participants for the purpose of population health screening. Participant phenotype was not available at the time of variant classification. Additional details can be found in publication PMID: 35346344, PMCID: PMC8962531

Color Diagnostics, LLC DBA Color Health
Classification: Likely benign for Cardiomyopathy. Last evaluated: 2023-08-16. Review status: criteria provided, single submitter. Criteria: ACMG Guidelines, 2015. Collection method: clinical testing. Allele origin: germline.

Ambry Genetics
Classification: Likely benign for Cardiovascular phenotype. Last evaluated: 2021-09-01. Review status: criteria provided, single submitter. Criteria: Ambry Variant Classification Scheme 2023. Collection method: clinical testing. Allele origin: germline.

NM_024422.6(DSC2):c.160C>T (p.Leu54=)

Gene: DSC2 (desmocollin 2; minus strand). Cytogenetic location: 18q12.1.
Variant type: single nucleotide variant.
Coding change: c.160C>T on transcript NM_024422.6 (MANE Select); coding-DNA position 160, C replaced by T.
Protein change: p.Leu54=; no amino-acid change (leucine 54 retained).
Molecular consequence: synonymous variant.
Genome position (GRCh38, 1-based): chr18:31,092,295, G>A on the plus strand (C>T on the coding strand, the complement: DSC2 is on the minus strand). VCF-style: chr18-31092295-G-A. GRCh37 (hg19) VCF-style: chr18-28672258-G-A.
Other names: c.160C>T, p.Leu54= (NM_004949.5).
Identifiers: ClinVar variation 1148910 (VCV001148910.22), dbSNP rs149347582, ClinGen allele CA032330.